The following is an entry in ClinVar:

ClinVar aggregate classification (germline): Likely benign. Review status: criteria provided, multiple submitters, no conflicts (2 of 4 stars). 2 submissions from 2 submitters: Likely benign (2). Last evaluated 2023-04-11.

Conditions:
Emery-Dreifuss muscular dystrophy 5, autosomal dominant (EDMD5). Also called: EMERY-DREIFUSS MUSCULAR DYSTROPHY 5. Identifiers: Orphanet 261, MedGen C2751805, MONDO:0013072, OMIM 612999.

Allele frequency attached by ClinVar (database versions not stated): gnomAD exomes 0.00001 and 0.00002; ExAC 0.00002; gnomAD 0.00002; TOPMed 0.00002.
gnomAD v4.1: 33 of 1,438,316 alleles (0.0023%); highest among the groups gnomAD compares: Non-Finnish European, 0.0028%; no homozygotes.

Submissions (2):

Labcorp Genetics (formerly Invitae), Labcorp
Classification: Likely benign for Emery-Dreifuss muscular dystrophy 5, autosomal dominant. Last evaluated: 2023-04-11. Review status: criteria provided, single submitter. Criteria: Invitae Variant Classification Sherloc (09022015). Collection method: clinical testing. Allele origin: germline.

Illumina Laboratory Services, Illumina
Classification: Likely benign for Emery-Dreifuss muscular dystrophy 5, autosomal dominant. Last evaluated: 2018-01-12. Review status: criteria provided, single submitter. Criteria: ICSL Variant Classification Criteria 13 December 2019. Collection method: clinical testing. Allele origin: germline.
Comment: This variant was observed in the ICSL laboratory as part of a predisposition screen in an ostensibly healthy population. It had not been previously curated by ICSL or reported in the Human Gene Mutation Database (HGMD: prior to June 1st, 2018), and was therefore a candidate for classification through an automated scoring system. Utilizing variant allele frequency, disease prevalence and penetrance estimates, and inheritance mode, an automated score was calculated to assess if this variant is too frequent to cause the disease. Based on the score and internal cut-off values, a variant classified as likely benign is not then subjected to further curation. The score for this variant resulted in a classification of likely benign for this disease.

NM_182914.3(SYNE2):c.13918-13A>G

Gene: SYNE2 (spectrin repeat containing nuclear envelope protein 2; plus strand). Cytogenetic location: 14q23.2.
Variant type: single nucleotide variant.
Coding change: c.13918-13A>G on transcript NM_182914.3 (MANE Select); 13 bases into the intron before coding-DNA position 13918, A replaced by G.
Molecular consequence: intron variant.
Genome position (GRCh38, 1-based): chr14:64,128,439, A>G. VCF-style: chr14-64128439-A-G. GRCh37 (hg19) VCF-style: chr14-64595157-A-G.
Other names: c.13918-13A>G (NM_015180.6).
Identifiers: ClinVar variation 881325 (VCV000881325.7), dbSNP rs775576281, ClinGen allele CA7222620.